The following is an entry in ClinVar:

NM_000038.6(APC):c.935dup (p.Glu313fs)

Gene: APC (APC regulator of Wnt signaling pathway; plus strand). Cytogenetic location: 5q22.2.
Variant type: Duplication.
Coding change: c.935dup on transcript NM_000038.6 (MANE Select); coding-DNA position 935, one base duplicated (T; older notation c.935dupT).
Protein change: p.Glu313fs; shifts the reading frame from glutamic acid 313.
Molecular consequence: frameshift variant. On other transcripts: intron variant (4).
Genome position (GRCh38, 1-based): chr5:112,818,967, T duplicated. VCF-style (leftmost placement, unchanged base first): chr5-112818966-G-GT. GRCh37 (hg19) VCF-style: chr5-112154663-G-GT.
Other names: c.935dup, p.Glu313fs (NM_001127510.3, NM_001354895.2, NM_001354896.2); c.881dup, p.Glu295fs (NM_001127511.3); c.965dup, p.Glu323fs (NM_001354897.2); c.860dup, p.Glu288fs (NM_001354898.2); c.851dup, p.Glu285fs (NM_001354899.2); c.758dup, p.Glu254fs (NM_001354900.2, NM_001354901.2); c.86dup, p.Glu30fs (NM_001354906.2); c.964-302dup (NM_001354902.2); and 4 more; short protein forms E288fs, E285fs, E295fs, E323fs, E30fs, E254fs, E313fs.
Identifiers: ClinVar variation 141040 (VCV000141040.24), dbSNP rs587781451, ClinGen allele CA164300.

ClinVar aggregate classification (germline): Pathogenic/Likely pathogenic. Review status: criteria provided, multiple submitters, no conflicts (2 of 4 stars). 8 submissions from 8 submitters: Pathogenic (6); Likely pathogenic (1). 1 of the submissions does not count toward it. Last evaluated 2025-10-20.

Conditions:
Classic or attenuated familial adenomatous polyposis. Identifiers: MedGen CN372698, MONDO:0021057.
Hereditary cancer-predisposing syndrome. Also called: Neoplastic Syndromes, Hereditary; Tumor predisposition; Hereditary Cancer Syndrome; Hereditary neoplastic syndrome. Identifiers: Orphanet 140162, MedGen C0027672, MeSH D009386, MONDO:0015356.
Familial adenomatous polyposis 1 (FAP1). Also called: FAMILIAL ADENOMATOUS POLYPOSIS 1, ATTENUATED; POLYPOSIS, ADENOMATOUS INTESTINAL. Identifiers: MedGen C2713442, MONDO:0021056, OMIM 175100. Disease mechanism: loss of function.

Submissions (8):

Labcorp Genetics (formerly Invitae), Labcorp
Classification: Pathogenic for Familial adenomatous polyposis 1. Last evaluated: 2025-10-20. Review status: criteria provided, single submitter. Criteria: Invitae Variant Classification Sherloc (09022015). Collection method: clinical testing. Allele origin: germline.
Comment: This sequence change creates a premature translational stop signal (p.Glu313Glyfs*14) in the APC gene. It is expected to result in an absent or disrupted protein product. Loss-of-function variants in APC are known to be pathogenic (PMID: 17963004, 20685668). This variant is not present in population databases (gnomAD no frequency). This variant has not been reported in the literature in individuals affected with APC-related conditions. ClinVar contains an entry for this variant (Variation ID: 141040). For these reasons, this variant has been classified as Pathogenic.

Ambry Genetics
Classification: Pathogenic for Hereditary cancer-predisposing syndrome. Last evaluated: 2023-09-05. Review status: criteria provided, single submitter. Criteria: Ambry Variant Classification Scheme 2023. Collection method: clinical testing. Allele origin: germline.
Comment: The c.935dupT pathogenic mutation, located in coding exon 9 of the APC gene, results from a duplication of T at nucleotide position 935, causing a translational frameshift with a predicted alternate stop codon (p.E313Gfs*14). This alteration has been observed in at least one individual with a personal and/or family history that is consistent with APC-related disease (Ambry internal data). This alteration is expected to result in loss of function by premature protein truncation or nonsense-mediated mRNA decay. As such, this alteration is interpreted as a disease-causing mutation.

All of Us Research Program, National Institutes of Health
Classification: Pathogenic for Classic or attenuated familial adenomatous polyposis. Last evaluated: 2023-07-09. Review status: criteria provided, single submitter. Criteria: ACMG Guidelines, 2015. Collection method: clinical testing. Allele origin: germline. Inheritance: Autosomal dominant inheritance. Observed: 1 variant allele, 1 heterozygote.
Comment: The c.935dup (p.Glu313Glyfs*14) variant in the APC gene is located on the exon 10 and is predicted to cause shift of reading frame that introduces a premature translation termination codon (p.Glu313Glyfs*14), resulting in an absent or disrupted protein product. Loss-of-function variants of APC are known to be pathogenic and frameshift/truncating variants located upstream and downstream to this position have been reported in individuals with familial adenomatous polyposis/colorectal cancer (PMID: 23159591, 31591141, 33769591). Frameshift variants at codon 313 have been reported in 4 individuals with familial adenomatous polyposis/colorectal cancer (PMID: 9916927, 11960572, 28135145). The variant is reported in ClinVar (ID: 141040). The variant is absent in the general population database (gnomAD). Therefore, the c.935dup (p.Glu313Glyfs*14) variant of APC has been classified as pathogenic.

This study involves interpretation of variants in research participants for the purpose of population health screening. Participant phenotype was not available at the time of variant classification. Additional details can be found in publication PMID: 35346344, PMCID: PMC8962531

Myriad Genetics, Inc.
Classification: Pathogenic for Familial adenomatous polyposis 1. Last evaluated: 2023-04-28. Review status: criteria provided, single submitter. Criteria: Myriad Autosomal Dominant, Autosomal Recessive and X-Linked Classification Criteria (2023). Collection method: clinical testing. Allele origin: unknown.
Comment: This variant is considered pathogenic. This variant creates a frameshift predicted to result in premature protein truncation.

Quest Diagnostics Nichols Institute San Juan Capistrano
Classification: Likely pathogenic. Last evaluated: 2021-05-03. Review status: criteria provided, single submitter. Criteria: Quest Diagnostics criteria. Collection method: clinical testing. Allele origin: unknown.
Comment: This frameshift variant is predicted to cause the premature termination of APC protein synthesis. This variant has not been reported in large, multi-ethnic general populations.

Color Diagnostics, LLC DBA Color Health
Classification: Pathogenic for Hereditary cancer-predisposing syndrome. Last evaluated: 2020-01-15. Review status: criteria provided, single submitter. Criteria: ACMG Guidelines, 2015. Collection method: clinical testing. Allele origin: germline.
Comment: This variant is located in the APC protein. Splice site prediction tools suggest that this variant may not impact RNA splicing. This variant has not been identified in the general population by the Genome Aggregation Database (gnomAD). Loss of APC function is a known mechanism of disease. Based on the available evidence, this variant is classified as Pathogenic.

GeneDx
Classification: Pathogenic. Last evaluated: 2015-12-01. Review status: criteria provided, single submitter. Criteria: GeneDx Variant Classification (06012015). Collection method: clinical testing. Allele origin: germline. Affected: yes.
Comment: This duplication of one nucleotide in APC is denoted c.935dupT at the cDNA level and p.Glu313GlyfsX14(E313GfsX14) at the protein level. The normal sequence, with the base that is duplicated in braces, is cagG[T]GGAA with lower case letters being intronic and upper case letters being exonic. The duplication causes a frameshift, which changes a Glutamic Acid to a Glycine at codon 313 in exon 10, and creates a premature stop codon at position 14 of the new reading frame. Although this variant has not, to our knowledge, been reported in the literature, it is predicted to cause loss of normal protein function through either protein truncation or nonsense-mediated mRNA decay. We consider this variant to be pathogenic.

Mayo Clinic Laboratories, Mayo Clinic
Classification: Likely pathogenic. Review status: no assertion criteria provided. Collection method: research. Allele origin: unknown. Observed: 2 variant alleles. Not counted in ClinVar's aggregate classification.

Literature cited by the submitters: PubMed 17963004 (cited by Labcorp Genetics (formerly Invitae), Labcorp); PubMed 20685668 (cited by Labcorp Genetics (formerly Invitae), Labcorp); PubMed 9916927 (cited by All of Us Research Program, National Institutes of Health); PubMed 11960572 (cited by All of Us Research Program, National Institutes of Health); PubMed 23159591 (cited by All of Us Research Program, National Institutes of Health); PubMed 28135145 (cited by All of Us Research Program, National Institutes of Health); PubMed 31591141 (cited by All of Us Research Program, National Institutes of Health); PubMed 33769591 (cited by All of Us Research Program, National Institutes of Health); PubMed 28152038 (cited by Quest Diagnostics Nichols Institute San Juan Capistrano).